The following is an entry in ClinVar:

ClinVar aggregate classification (germline): Uncertain significance. Review status: criteria provided, multiple submitters, no conflicts (2 of 4 stars). 2 submissions from 2 submitters: Uncertain significance (2). Last evaluated 2024-04-17.

Conditions:
Ectodermal dysplasia 10B, hypohidrotic/hair/tooth type, autosomal recessive. Also called: Ectodermal Dysplasia, Hypohidrotic, Autosomal Recessive; Ectodermal dysplasia 10B, hypohidrotic/hair/tooth type, autosomal. Identifiers: Orphanet 238468, Orphanet 248, MedGen C3887494, MONDO:0009147, OMIM 224900.
Ectodermal dysplasia 10A, hypohidrotic/hair/nail type, autosomal dominant (ECTD10A). Also called: Ectodermal Dysplasia 3, Anhidrotic. Identifiers: Orphanet 1810, Orphanet 238468, MedGen C3888065, MONDO:0007509, OMIM 129490.
Autosomal recessive hypohidrotic ectodermal dysplasia syndrome. Also called: Autosomal recessive hypohidrotic ectodermal dysplasia. Identifiers: Orphanet 248, MedGen C0406702, MONDO:0016619.

Submissions (2):

Labcorp Genetics (formerly Invitae), Labcorp
Classification: Uncertain significance for Ectodermal dysplasia 10A, hypohidrotic/hair/nail type, autosomal dominant; Autosomal recessive hypohidrotic ectodermal dysplasia syndrome. Last evaluated: 2024-04-17. Review status: criteria provided, single submitter. Criteria: Invitae Variant Classification Sherloc (09022015). Collection method: clinical testing. Allele origin: germline.
Comment: This sequence change replaces leucine, which is neutral and non-polar, with phenylalanine, which is neutral and non-polar, at codon 353 of the EDAR protein (p.Leu353Phe). This variant is not present in population databases (gnomAD no frequency). This missense change has been observed in individual(s) with clinical features of ectodermal dysplasia (Invitae). ClinVar contains an entry for this variant (Variation ID: 2442005). Advanced modeling of protein sequence and biophysical properties (such as structural, functional, and spatial information, amino acid conservation, physicochemical variation, residue mobility, and thermodynamic stability) performed at Invitae indicates that this missense variant is expected to disrupt EDAR protein function with a positive predictive value of 80%. In summary, the available evidence is currently insufficient to determine the role of this variant in disease. Therefore, it has been classified as a Variant of Uncertain Significance.

Baylor Genetics
Classification: Uncertain significance for Ectodermal dysplasia 10B, hypohidrotic/hair/tooth type, autosomal recessive. Last evaluated: 2021-06-30. Review status: criteria provided, single submitter. Criteria: ACMG Guidelines, 2015. Collection method: clinical testing. Allele origin: unknown.

NM_022336.4(EDAR):c.1057C>T (p.Leu353Phe)

Genes: RANBP2 (RAN binding protein 2; plus strand), EDAR (ectodysplasin A receptor; minus strand). Cytogenetic location: 2q13.
Variant type: single nucleotide variant.
Coding change: c.1057C>T on transcript NM_022336.4 (MANE Select); coding-DNA position 1057, C replaced by T.
Protein change: p.Leu353Phe; replaces leucine 353 with phenylalanine.
Molecular consequence: missense variant.
Genome position (GRCh38, 1-based): chr2:108,897,197, G>A on the plus strand (C>T on the coding strand, the complement: EDAR is on the minus strand). VCF-style: chr2-108897197-G-A. GRCh37 (hg19) VCF-style: chr2-109513653-G-A.
Other names: short protein forms L353F.
Identifiers: ClinVar variation 2442005 (VCV002442005.4), dbSNP rs2470613911, ClinGen allele CA348048469.